The following is an entry in ClinVar:

ClinVar aggregate classification (germline): Likely benign. Review status: criteria provided, multiple submitters, no conflicts (2 of 4 stars). 4 submissions from 4 submitters: Likely benign (4). Last evaluated 2025-01-08.

Conditions:
Hereditary nonpolyposis colorectal neoplasms. Identifiers: MedGen C0009405, MeSH D003123.
Hereditary cancer-predisposing syndrome. Also called: Neoplastic Syndromes, Hereditary; Tumor predisposition; Hereditary Cancer Syndrome; Hereditary neoplastic syndrome. Identifiers: Orphanet 140162, MedGen C0027672, MeSH D009386, MONDO:0015356.
Lynch syndrome 5 (LYNCH5). Also called: Colorectal cancer, hereditary nonpolyposis, type 5; Hereditary non-polyposis colorectal cancer, type 5. Identifiers: Orphanet 144, MedGen C1833477, MONDO:0013710, OMIM 614350. Disease mechanism: loss of function.

Allele frequency attached by ClinVar (database versions not stated): gnomAD exomes below 0.00001.
gnomAD v4.1: 3 of 1,614,052 alleles (0.00019%); highest among the groups gnomAD compares: Non-Finnish European, 0.00025%; no homozygotes.

Submissions (4):

Myriad Genetics, Inc.
Classification: Likely benign for Lynch syndrome 5. Last evaluated: 2025-01-08. Review status: criteria provided, single submitter. Criteria: Myriad Autosomal Dominant, Autosomal Recessive and X-Linked Classification Criteria (2023). Collection method: clinical testing. Allele origin: unknown.
Comment: This variant is considered likely benign. This variant is intronic and is not expected to impact mRNA splicing.

Labcorp Genetics (formerly Invitae), Labcorp
Classification: Likely benign for Hereditary nonpolyposis colorectal neoplasms. Last evaluated: 2024-11-14. Review status: criteria provided, single submitter. Criteria: Invitae Variant Classification Sherloc (09022015). Collection method: clinical testing. Allele origin: germline.

Ambry Genetics
Classification: Likely benign for Hereditary cancer-predisposing syndrome. Last evaluated: 2020-05-21. Review status: criteria provided, single submitter. Criteria: Ambry Variant Classification Scheme 2023. Collection method: clinical testing. Allele origin: germline.

Color Diagnostics, LLC DBA Color Health
Classification: Likely benign for Hereditary cancer-predisposing syndrome. Last evaluated: 2020-01-21. Review status: criteria provided, single submitter. Criteria: ACMG Guidelines, 2015. Collection method: clinical testing. Allele origin: germline.

NM_000179.3(MSH6):c.3802-5T>C

Gene: MSH6 (mutS homolog 6; plus strand). Cytogenetic location: 2p16.3.
Variant type: single nucleotide variant.
Coding change: c.3802-5T>C on transcript NM_000179.3 (MANE Select); 5 bases into the intron before coding-DNA position 3802, T replaced by C.
Molecular consequence: intron variant.
Genome position (GRCh38, 1-based): chr2:47,806,447, T>C. VCF-style: chr2-47806447-T-C. GRCh37 (hg19) VCF-style: chr2-48033586-T-C.
Other names: c.2896-5T>C (NM_001281493.2, NM_001281494.2); c.3412-5T>C (NM_001281492.2).
Identifiers: ClinVar variation 233147 (VCV000233147.17), dbSNP rs876660224, ClinGen allele CA10578161.
Genomic context (GRCh38, chr2:47,806,447, plus strand): 5'-TTCGGTTTTTTGAGAGGGCACTTCTCTTGCTAGCACATGTATCGCTAATATTTTTCTTTC[T>C]TAAGGCATGCATGGTAGAAAATGAATGTGAAGACCCCAGCCAGGAGACTATTACGTTCCT-3'